The following is an entry in ClinVar:

NM_001077365.2(POMT1):c.160_161insTTTTTTTTTTTTTTTNNNNNNNNNNTCACCGTTTTAGCCGGGATGGTCTCGATCTCCTGACCTCGTGATCCGCCCGCCTCGGCCTCCCAAAGTGCTGGGATTACAGGCGTGAGCCACCGCGCCCGGCCAGTACATCTCTTTTT (p.Tyr54delinsPhePhePhePhePheXaaXaaXaaXaaHisArgPheSerArgAspGlyLeuAspLeuLeuThrSerTer)

Gene: POMT1 (protein O-mannosyltransferase 1; plus strand). Cytogenetic location: 9q34.13.
Variant type: Insertion.
Coding change: c.160_161insTTTTTTTTTTTTTTTNNNNNNNNNNTCACCGTTTTAGCCGGGATGGTCTCGATCTCCTGACCTCGTGATCCGCCCGCCTCGGCCTCCCAAAGTGCTGGGATTACAGGCGTGAGCCACCGCGCCCGGCCAGTACATCTCTTTTT on transcript NM_001077365.2 (MANE Select); coding-DNA positions 160 to 161, TTTTTTTTTTTTTTTNNNNNNNNNNTCACCGTTTTAGCCGGGATGGTCTCGATCTCCTGACCTCGTGATCCGCCCGCCTCGGCCTCCCAAAGTGCTGGGATTACAGGCGTGAGCCACCGCGCCCGGCCAGTACATCTCTTTTT inserted.
Protein change: p.Tyr54delinsPhePhePhePhePheXaaXaaXaaXaaHisArgPheSerArgAspGlyLeuAspLeuLeuThrSerTer.
Molecular consequence: nonsense. On other transcripts: 5 prime UTR variant (6), non-coding transcript variant (7), intron variant (8).
Genome position: GRCh38: chr9:131,506,151-131,506,152. GRCh37 (hg19): chr9:134,381,538-134,381,539.
Other names: c.-3_-2insTTTTTTTTTTTTTTTNNNNNNNNNNTCACCGTTTTAGCCGGGATGGTCTCGATCTCCTGACCTCGTGATCCGCCCGCCTCGGCCTCCCAAAGTGCTGGGATTACAGGCGTGAGCCACCGCGCCCGGCCAGTACATCTCTTTTT (NM_001077366.2, NM_001353194.2, NM_001353197.2 and 3 more transcripts); c.160_161insTTTTTTTTTTTTTTTNNNNNNNNNNTCACCGTTTTAGCCGGGATGGTCTCGATCTCCTGACCTCGTGATCCGCCCGCCTCGGCCTCCCAAAGTGCTGGGATTACAGGCGTGAGCCACCGCGCCCGGCCAGTACATCTCTTTTT, p.Tyr54delinsPhePhePhePhePheXaaXaaXaaXaaHisArgPheSerArgAspGlyLeuAspLeuLeuThrSerTer (NM_001136113.2, NM_001353193.2, NM_001374690.1 and 1 more transcripts); c.-71-1217_-71-1216insTTTTTTTTTTTTTTTNNNNNNNNNNTCACCGTTTTAGCCGGGATGGTCTCGATCTCCTGACCTCGTGATCCGCCCGCCTCGGCCTCCCAAAGTGCTGGGATTACAGGCGTGAGCCACCGCGCCCGGCCAGTACATCTCTTTTT (NM_001374691.1, NM_001374692.1); c.123-252_123-251insTTTTTTTTTTTTTTTNNNNNNNNNNTCACCGTTTTAGCCGGGATGGTCTCGATCTCCTGACCTCGTGATCCGCCCGCCTCGGCCTCCCAAAGTGCTGGGATTACAGGCGTGAGCCACCGCGCCCGGCCAGTACATCTCTTTTT (NM_001353196.2); c.-122-252_-122-251insTTTTTTTTTTTTTTTNNNNNNNNNNTCACCGTTTTAGCCGGGATGGTCTCGATCTCCTGACCTCGTGATCCGCCCGCCTCGGCCTCCCAAAGTGCTGGGATTACAGGCGTGAGCCACCGCGCCCGGCCAGTACATCTCTTTTT (NM_001353195.2, NM_001353199.2, NM_001136114.2); c.-30+1811_-30+1812insTTTTTTTTTTTTTTTNNNNNNNNNNTCACCGTTTTAGCCGGGATGGTCTCGATCTCCTGACCTCGTGATCCGCCCGCCTCGGCCTCCCAAAGTGCTGGGATTACAGGCGTGAGCCACCGCGCCCGGCCAGTACATCTCTTTTT (NM_001374695.1); c.-80-252_-80-251insTTTTTTTTTTTTTTTNNNNNNNNNNTCACCGTTTTAGCCGGGATGGTCTCGATCTCCTGACCTCGTGATCCGCCCGCCTCGGCCTCCCAAAGTGCTGGGATTACAGGCGTGAGCCACCGCGCCCGGCCAGTACATCTCTTTTT (NM_001353200.2).
Identifiers: ClinVar variation 1076965 (VCV001076965.7), dbSNP rs2131588122.

ClinVar aggregate classification (germline): Pathogenic (1 of 4 stars; one submission).

Conditions:
Walker-Warburg congenital muscular dystrophy. Also called: Muscular dystrophy-dystroglycanopathy, type A; Walker-Warburg syndrome. Identifiers: Orphanet 899, MedGen C0265221, MONDO:0000171.
Muscular dystrophy-dystroglycanopathy (congenital with impaired intellectual development), type B, 1. Also called: Muscular dystrophy-dystroglycanopathy (congenital with intellectual disability), type B1; MUSCULAR DYSTROPHY, CONGENITAL, POMT1-RELATED. Identifiers: MedGen C5436962, MONDO:0013159, OMIM 613155.
Autosomal recessive limb-girdle muscular dystrophy type 2K. Also called: MUSCULAR DYSTROPHY-DYSTROGLYCANOPATHY (LIMB-GIRDLE), TYPE C, 1; MUSCULAR DYSTROPHY, LIMB-GIRDLE, TYPE 2K. Identifiers: Orphanet 86812, MedGen C1836373, MONDO:0012248, OMIM 609308.

Submission:

Labcorp Genetics (formerly Invitae), Labcorp
Classification: Pathogenic for Muscular dystrophy-dystroglycanopathy (congenital with impaired intellectual development), type B, 1; Walker-Warburg congenital muscular dystrophy; Autosomal recessive limb-girdle muscular dystrophy type 2K. Last evaluated: 2025-05-21. Review status: criteria provided, single submitter. Criteria: Invitae Variant Classification Sherloc (09022015). Collection method: clinical testing. Allele origin: germline.
Comment: This sequence change inserts a large fragment of DNA, likely a transposable element, in exon 3 of the POMT1 gene (c.160_161ins?), causing a frameshift at codon 54 (p.Tyr54fs). The exact size and sequence of the insertion cannot be determined by the current assay. However, the insertion is expected to result in an absent or disrupted protein product. This variant is not present in population databases (gnomAD no frequency). This variant has not been reported in the literature in individuals affected with POMT1-related conditions. ClinVar contains an entry for this variant (Variation ID: 1076965). Retrotransposon insertions including LINE1 (L1), Alu, and SVA (SINE-VNTR-Alu) have been reported to be disease-causing through disruption of either a coding region or splice site (PMID: 19763152, 20307669, 22406018) and loss-of-function variants in POMT1 are known to be pathogenic (PMID: 12369018, 15637732, 16575835). For these reasons, this variant has been classified as Pathogenic.

Literature cited by the submitters: PubMed 19763152; PubMed 20307669; PubMed 22406018; PubMed 12369018; PubMed 15637732; PubMed 16575835.